The following is an entry in ClinVar:

ClinVar aggregate classification (germline): Uncertain significance (1 of 4 stars; one submission).

gnomAD v4.1: 50 of 764,608 alleles (0.0065%); highest among the groups gnomAD compares: Admixed American, 0.015%; no homozygotes.

Submission:

Labcorp Genetics (formerly Invitae), Labcorp
Classification: Uncertain significance. Last evaluated: 2022-06-30. Review status: criteria provided, single submitter. Criteria: Invitae Variant Classification Sherloc (09022015). Collection method: clinical testing. Allele origin: germline.
Comment: In summary, the available evidence is currently insufficient to determine the role of this variant in disease. Therefore, it has been classified as a Variant of Uncertain Significance. Experimental studies and prediction algorithms are not available or were not evaluated, and the functional significance of this variant is currently unknown. This variant has not been reported in the literature in individuals affected with SNORD118-related conditions. This variant is present in population databases (rs541427710, gnomAD 0.008%). This variant occurs in the SNORD118 gene, which encodes an RNA molecule that does not result in a protein product.

NR_033294.2(SNORD118):n.113C>A

Genes: SNORD118 (small nucleolar RNA, C/D box 118; minus strand), TMEM107 (transmembrane protein 107; minus strand). Cytogenetic location: 17p13.1.
Variant type: single nucleotide variant.
Molecular consequence: non-coding transcript variant (on NR_033294.2). On other transcripts: 3 prime UTR variant (5).
Genome position: GRCh38 VCF-style: chr17-8173476-G-T. GRCh37 (hg19) VCF-style: chr17-8076794-G-T.
Other names: c.*727C>A (NM_001351278.2, NM_001351279.2, NM_001351280.2 and 2 more transcripts).
Identifiers: ClinVar variation 1921340 (VCV001921340.5), dbSNP rs541427710, ClinGen allele CA8370601.
Genomic context (GRCh38, chr17:8,173,476, plus strand): 5'-AATCAGCATAACACAAATGTAAGTGATCGTCAGAAAGAATCAGACAGGAGCAATCAGGGT[G>T]TTGCAAGTCCTGATTACGCAGAGACGTTAATCACGTTTCATGCATCTCCAATCATCATGT-3'